The following is an entry in ClinVar:

NM_000780.4(CYP7A1):c.574C>A (p.Leu192Ile)

Gene: CYP7A1 (cytochrome P450 family 7 subfamily A member 1; minus strand). Cytogenetic location: 8q12.1.
Variant type: single nucleotide variant.
Coding change: c.574C>A on transcript NM_000780.4 (MANE Select); coding-DNA position 574, C replaced by A.
Protein change: p.Leu192Ile; replaces leucine 192 with isoleucine.
Molecular consequence: missense variant.
Genome position (GRCh38, 1-based): chr8:58,496,938, G>T on the plus strand (C>A on the coding strand, the complement: CYP7A1 is on the minus strand). VCF-style: chr8-58496938-G-T. GRCh37 (hg19) VCF-style: chr8-59409497-G-T.
Other names: c.574C>A (NM_000780.3); short protein forms L192I.
Identifiers: ClinVar variation 4692695 (VCV004692695.2).

ClinVar aggregate classification (germline): Uncertain significance. Review status: criteria provided, multiple submitters, no conflicts (2 of 4 stars). 2 submissions from 2 submitters: Uncertain significance (2). Last evaluated 2025-10-13.

Conditions:
CYP7A1-related disorder. Also called: CYP7A1-related condition.

gnomAD v4.1: 16 of 1,614,070 alleles (0.00099%); highest among the groups gnomAD compares: East Asian, 0.02%; no homozygotes.

Submissions (2):

Labcorp Genetics (formerly Invitae), Labcorp
Classification: Uncertain significance. Last evaluated: 2025-10-13. Review status: criteria provided, single submitter. Criteria: Invitae Variant Classification Sherloc (09022015). Collection method: clinical testing. Allele origin: germline.
Comment: This sequence change replaces leucine, which is neutral and non-polar, with isoleucine, which is neutral and non-polar, at codon 192 of the CYP7A1 protein (p.Leu192Ile). This variant is present in population databases (rs756001088, gnomAD 0.05%). This variant has not been reported in the literature in individuals affected with CYP7A1-related conditions. Invitae Evidence Modeling of protein sequence and biophysical properties (such as structural, functional, and spatial information, amino acid conservation, physicochemical variation, residue mobility, and thermodynamic stability) indicates that this missense variant is not expected to disrupt CYP7A1 protein function with a negative predictive value of 80%. In summary, the available evidence is currently insufficient to determine the role of this variant in disease. Therefore, it has been classified as a Variant of Uncertain Significance.

PreventionGenetics, part of Exact Sciences
Classification: Uncertain significance for CYP7A1-related condition. Last evaluated: 2025-06-24. Review status: criteria provided, single submitter. Criteria: ACMG Guidelines, 2015. Collection method: clinical testing. Allele origin: germline.
Comment: The CYP7A1 c.574C>A variant is predicted to result in the amino acid substitution p.Leu192Ile. To our knowledge, this variant has not been reported in the literature. This variant is reported in 0.045% of alleles in individuals of East Asian descent in gnomAD. At this time, the clinical significance of this variant is uncertain due to the absence of conclusive functional and genetic evidence.